The following is an entry in ClinVar:

NM_006306.4(SMC1A):c.3591C>T (p.Ala1197=)

Gene: SMC1A (structural maintenance of chromosomes 1A; minus strand). Cytogenetic location: Xp11.22.
Variant type: single nucleotide variant.
Coding change: c.3591C>T on transcript NM_006306.4 (MANE Select); coding-DNA position 3591, C replaced by T.
Protein change: p.Ala1197=; no amino-acid change (alanine 1197 retained).
Molecular consequence: synonymous variant.
Genome position (GRCh38, 1-based): chrX:53,380,647, G>A on the plus strand (C>T on the coding strand, the complement: SMC1A is on the minus strand). VCF-style: chrX-53380647-G-A. GRCh37 (hg19) VCF-style: chrX-53407568-G-A.
Other names: c.3525C>T, p.Ala1175= (NM_001281463.1).
Identifiers: ClinVar variation 95366 (VCV000095366.22), dbSNP rs146216425, ClinGen allele CA148481.

ClinVar aggregate classification (germline): Benign/Likely benign. Review status: criteria provided, multiple submitters, no conflicts (2 of 4 stars). 5 submissions from 5 submitters: Benign (2); Likely benign (3). Last evaluated 2025-12-02.

Conditions:
Congenital muscular hypertrophy-cerebral syndrome (CDLS2). Also called: Cornelia de Lange syndrome 2; SMC1A-Related Cornelia de Lange Syndrome. Identifiers: Orphanet 199, MedGen C1802395, MONDO:0010370, OMIM 300590.

Allele frequency attached by ClinVar (database versions not stated): TOPMed 0.00018; ESP Exome Variant Server 0.00028; gnomAD 0.00049 and 0.00051; 1000 Genomes Project 30x 0.00062; 1000 Genomes Project 0.00079; gnomAD exomes 0.00080; ExAC 0.00085.
gnomAD v4.1: 414 of 1,203,511 alleles (0.034%); highest among the groups gnomAD compares: Non-Finnish European, 0.02%; no homozygotes.

Submissions (5):

Labcorp Genetics (formerly Invitae), Labcorp
Classification: Benign for Congenital muscular hypertrophy-cerebral syndrome. Last evaluated: 2025-12-02. Review status: criteria provided, single submitter. Criteria: Invitae Variant Classification Sherloc (09022015). Collection method: clinical testing. Allele origin: germline.

Blueprint Genetics
Classification: Likely benign. Last evaluated: 2024-10-30. Review status: criteria provided, single submitter. Criteria: ACMG Guidelines, 2015. Collection method: clinical testing. Allele origin: germline.

GeneDx
Classification: Likely benign. Last evaluated: 2020-12-21. Review status: criteria provided, single submitter. Criteria: GeneDx Variant Classification Process June 2021. Collection method: clinical testing. Allele origin: germline. Affected: yes.

Illumina Laboratory Services, Illumina
Classification: Likely benign for Congenital muscular hypertrophy-cerebral syndrome. Last evaluated: 2018-01-13. Review status: criteria provided, single submitter. Criteria: ICSL Variant Classification Criteria 13 December 2019. Collection method: clinical testing. Allele origin: germline.
Comment: This variant was observed in the ICSL laboratory as part of a predisposition screen in an ostensibly healthy population. It had not been previously curated by ICSL or reported in the Human Gene Mutation Database (HGMD: prior to June 1st, 2018), and was therefore a candidate for classification through an automated scoring system. Utilizing variant allele frequency, disease prevalence and penetrance estimates, and inheritance mode, an automated score was calculated to assess if this variant is too frequent to cause the disease. Based on the score and internal cut-off values, a variant classified as likely benign is not then subjected to further curation. The score for this variant resulted in a classification of likely benign for this disease.

Eurofins Ntd Llc (ga)
Classification: Benign. Last evaluated: 2014-01-23. Review status: criteria provided, single submitter. Criteria: EGL Classification Definitions 2015. Collection method: clinical testing. Allele origin: germline. Observed: 3 variant alleles, 1 heterozygote, 2 hemizygotes.